The following is an entry in ClinVar:

ClinVar aggregate classification (germline): Likely pathogenic (1 of 4 stars; one submission).

Conditions:
Metachromatic leukodystrophy (MLD). Also called: Cerebral sclerosis diffuse metachromatic form; ARSA DEFICIENCY; Arylsulfatase A Deficiency; CEREBROSIDE SULFATASE DEFICIENCY; METACHROMATIC LEUKOENCEPHALOPATHY; SULFATIDE LIPIDOSIS. Identifiers: Orphanet 512, MedGen C0023522, MONDO:0018868, OMIM 250100.

gnomAD v4.1: 1 of 1,613,700 alleles (0.000062%); highest among the groups gnomAD compares: Non-Finnish European, 0.000085%; no homozygotes.

Submission:

Labcorp Genetics (formerly Invitae), Labcorp
Classification: Likely pathogenic for Metachromatic leukodystrophy. Last evaluated: 2022-11-29. Review status: criteria provided, single submitter. Criteria: Invitae Variant Classification Sherloc (09022015). Collection method: clinical testing. Allele origin: germline.
Comment: This sequence change replaces arginine, which is basic and polar, with glycine, which is neutral and non-polar, at codon 392 of the ARSA protein (p.Arg392Gly). This variant is present in population databases (rs74315480, gnomAD 0.0009%). In summary, the currently available evidence indicates that the variant is pathogenic, but additional data are needed to prove that conclusively. Therefore, this variant has been classified as Likely Pathogenic. This variant disrupts the p.Arg293 amino acid residue in ARSA. Other variant(s) that disrupt this residue have been determined to be pathogenic (PMID: 9452102, 20339381, 21167507, 26462614, 26553228). This suggests that this residue is clinically significant, and that variants that disrupt this residue are likely to be disease-causing. Algorithms developed to predict the effect of sequence changes on RNA splicing suggest that this variant may disrupt the consensus splice site. Advanced modeling of protein sequence and biophysical properties (such as structural, functional, and spatial information, amino acid conservation, physicochemical variation, residue mobility, and thermodynamic stability) performed at Invitae indicates that this missense variant is expected to disrupt ARSA protein function. This variant has not been reported in the literature in individuals affected with ARSA-related conditions.

Literature cited by the submitters: PubMed 9452102; PubMed 20339381; PubMed 21167507; PubMed 26462614; PubMed 26553228.

NM_000487.6(ARSA):c.1174C>G (p.Arg392Gly)

Gene: ARSA (arylsulfatase A; minus strand). Cytogenetic location: 22q13.33.
Variant type: single nucleotide variant.
Coding change: c.1174C>G on transcript NM_000487.6 (MANE Select); coding-DNA position 1174, C replaced by G.
Protein change: p.Arg392Gly; replaces arginine 392 with glycine.
Molecular consequence: missense variant.
Genome position (GRCh38, 1-based): chr22:50,625,615, G>C on the plus strand (C>G on the coding strand, the complement: ARSA is on the minus strand). VCF-style: chr22-50625615-G-C. GRCh37 (hg19) VCF-style: chr22-51064043-G-C.
Other names: c.1174C>G, p.Arg392Gly (NM_001085425.3, NM_001085426.3, NM_001085427.3); c.916C>G, p.Arg306Gly (NM_001085428.3, NM_001362782.2); short protein forms R392G, R306G.
Identifiers: ClinVar variation 2864140 (VCV002864140.5), dbSNP rs74315480, ClinGen allele CA10324803.
Genomic context (GRCh38, chr22:50,625,615, plus strand): 5'-GAGGGATCCACGGGGAGGGGTTACCCTGGGTGAAGAAGTGAGCCTTGTACTTTCCAGTCC[G>C]CACAGCAAAAACCCCACGGACCTCGTCTGGGTAGGACGGGTAGAAGAAGAGAGACTGCCG-3'
Protein context (NP_000478.3, residues 382-402): PDEVRGVFAV[Arg392Gly]TGKYKAHFFT